The following is an entry in ClinVar:

ClinVar aggregate classification (germline): Uncertain significance. Review status: criteria provided, single submitter (1 of 4 stars). 2 submissions from 2 submitters: Uncertain significance (1). 1 of the submissions does not count toward it. Last evaluated 2022-06-22.

Conditions:
COLGALT1-related disorder. Also called: COLGALT1-related condition.

Allele frequency attached by ClinVar (database versions not stated): TOPMed 0.00002; gnomAD 0.00003; gnomAD exomes 0.00006; ExAC 0.00014; 1000 Genomes Project 30x 0.00016; 1000 Genomes Project 0.00020.
gnomAD v4.1: 85 of 1,613,402 alleles (0.0053%); highest among the groups gnomAD compares: South Asian, 0.085%; 2 homozygotes.

Submissions (2):

Labcorp Genetics (formerly Invitae), Labcorp
Classification: Uncertain significance. Last evaluated: 2022-06-22. Review status: criteria provided, single submitter. Criteria: Invitae Variant Classification Sherloc (09022015). Collection method: clinical testing. Allele origin: germline.
Comment: This variant is present in population databases (rs568261637, gnomAD 0.1%). This sequence change replaces asparagine, which is neutral and polar, with serine, which is neutral and polar, at codon 579 of the COLGALT1 protein (p.Asn579Ser). This variant has not been reported in the literature in individuals affected with COLGALT1-related conditions. Algorithms developed to predict the effect of missense changes on protein structure and function are either unavailable or do not agree on the potential impact of this missense change (SIFT: "Not Available"; PolyPhen-2: "Possibly Damaging"; Align-GVGD: "Not Available"). In summary, the available evidence is currently insufficient to determine the role of this variant in disease. Therefore, it has been classified as a Variant of Uncertain Significance.

PreventionGenetics, part of Exact Sciences
Classification: Likely benign for COLGALT1-related condition. Last evaluated: 2024-09-23. Review status: no assertion criteria provided. Collection method: clinical testing. Allele origin: germline. Not counted in ClinVar's aggregate classification.
Comment: This variant is classified as likely benign based on ACMG/AMP sequence variant interpretation guidelines (Richards et al. 2015 PMID: 25741868, with internal and published modifications).

NM_024656.4(COLGALT1):c.1736A>G (p.Asn579Ser)

Gene: COLGALT1 (collagen beta(1-O)galactosyltransferase 1; plus strand). Cytogenetic location: 19p13.11.
Variant type: single nucleotide variant.
Coding change: c.1736A>G on transcript NM_024656.4 (MANE Select); coding-DNA position 1736, A replaced by G.
Protein change: p.Asn579Ser; replaces asparagine 579 with serine.
Molecular consequence: missense variant.
Genome position (GRCh38, 1-based): chr19:17,581,311, A>G. VCF-style: chr19-17581311-A-G. GRCh37 (hg19) VCF-style: chr19-17692120-A-G.
Other names: c.1736A>G (NM_024656.3); short protein forms N579S.
Identifiers: ClinVar variation 1922031 (VCV001922031.6), dbSNP rs568261637, ClinGen allele CA9297419.
Genomic context (GRCh38, chr19:17,581,311, plus strand): 5'-CACACTACACAGGAGACGATGGCTATGTGAGTGACACCGAGACCTCAGTCGTATGGAACA[A>G]TGAGCACGTCAAGACCGACTGGGACCGCGCCAAGTCCCAGAAGATGCGGGAGCAGCAGGC-3'
Protein context (NP_078932.2, residues 569-589): SDTETSVVWN[Asn579Ser]EHVKTDWDRA